The following is an entry in ClinVar:

NM_000719.7(CACNA1C):c.5444+724T>C

Genes: CACNA1C (calcium voltage-gated channel subunit alpha1 C; plus strand), CACNA1C-AS1 (CACNA1C antisense RNA 1; minus strand). Cytogenetic location: 12p13.33.
Variant type: single nucleotide variant.
Coding change: c.5444+724T>C on transcript NM_000719.7 (MANE Select); 724 bases into the intron after coding-DNA position 5444, T replaced by C.
Molecular consequence: intron variant. On other transcripts: missense variant (1).
Genome position (GRCh38, 1-based): chr12:2,680,520, T>C. VCF-style: chr12-2680520-T-C. GRCh37 (hg19) VCF-style: chr12-2789686-T-C.
Other names: c.5569T>C, p.Ser1857Pro (NM_001167625.2); c.5444+724T>C (NM_001167624.3, NM_001167623.2, NM_001129840.2 and 4 more transcripts); c.5588+724T>C (NM_199460.4, NM_001129827.2); c.5504+724T>C (NM_001129832.2); c.5528+724T>C (NM_001129831.2); c.5501+724T>C (NM_001129833.2, NM_001129834.2, NM_001129835.2); c.5567+724T>C (NM_001129829.2); c.5468+724T>C (NM_001129837.2, NM_001129838.2); and 4 more; short protein forms S1857P.
Identifiers: ClinVar variation 3341870 (VCV003341870.16).

ClinVar aggregate classification (germline): Uncertain significance (1 of 4 stars; one submission).

gnomAD v4.1: 2 of 1,573,868 alleles (0.00013%); highest among the groups gnomAD compares: Non-Finnish European, 0.00017%; no homozygotes.

Submission:

CeGaT Center for Human Genetics Tuebingen
Classification: Uncertain significance. Last evaluated: 2024-08-01. Review status: criteria provided, single submitter. Criteria: CeGaT Center For Human Genetics Tuebingen Variant Classification Criteria Version 2. Collection method: clinical testing. Allele origin: germline. Affected: yes. Observed: 1 variant allele.
Comment: CACNA1C: PP3